The following is an entry in ClinVar:

ClinVar aggregate classification (germline): Pathogenic (1 of 4 stars; one submission).

Conditions:
USH2A-related disorder. Also called: USH2A-related condition; USH2A-related disorders. Identifiers: MedGen CN239332.

Submission:

Myriad Genetics, Inc.
Classification: Pathogenic for USH2A-related disorder. Last evaluated: 2023-09-03. Review status: criteria provided, single submitter. Criteria: Myriad Autosomal Dominant, Autosomal Recessive and X-Linked Classification Criteria (2023). Collection method: clinical testing. Allele origin: unknown.
Comment: NM_206933.2(USH2A):c.3020C>A(S1007*) is expected to be pathogenic in the context of USH2A-related disorders. This variant is predicted to lead to an abnormal or absent protein product due to the creation of a premature termination codon in USH2A, a gene where loss-of-function variants are known to be pathogenic. Please note: this variant was assessed in the context of healthy population screening.

NM_206933.4(USH2A):c.3020C>A (p.Ser1007Ter)

Genes: USH2A (usherin; minus strand), USH2A-AS1 (USH2A antisense RNA 1; plus strand). Cytogenetic location: 1q41.
Variant type: single nucleotide variant.
Coding change: c.3020C>A on transcript NM_206933.4 (MANE Select); coding-DNA position 3020, C replaced by A.
Protein change: p.Ser1007Ter; replaces serine 1007 with a stop codon.
Molecular consequence: nonsense.
Genome position (GRCh38, 1-based): chr1:216,217,524, G>T on the plus strand (C>A on the coding strand, the complement: USH2A is on the minus strand). VCF-style: chr1-216217524-G-T. GRCh37 (hg19) VCF-style: chr1-216390866-G-T.
Other names: c.3020C>A, p.Ser1007Ter (NM_007123.6); short protein forms S1007*.
Identifiers: ClinVar variation 5011553 (VCV005011553.1).